The following is an entry in ClinVar:

ClinVar aggregate classification (germline): Benign/Likely benign. Review status: criteria provided, multiple submitters, no conflicts (2 of 4 stars). 4 submissions from 4 submitters: Benign (3); Likely benign (1). Last evaluated 2026-07-01.

Conditions:
Congenital secretory sodium diarrhea 8. Identifiers: Orphanet 103908, MedGen C5441928, MONDO:0014808, OMIM 616868.

Allele frequency attached by ClinVar (database versions not stated): 1000 Genomes Project 0.00319; ESP Exome Variant Server 0.00400; gnomAD 0.00417 and 0.00437; TOPMed 0.00472; gnomAD exomes 0.00511 and 0.00573; ExAC 0.00525; 1000 Genomes Project 30x 0.00312.

Submissions (4):

CeGaT Center for Human Genetics Tuebingen
Classification: Likely benign. Last evaluated: 2026-07-01. Review status: criteria provided, single submitter. Criteria: CeGaT Center For Human Genetics Tuebingen Variant Classification Criteria Version 2. Collection method: clinical testing. Allele origin: germline. Affected: yes. Observed: 2 variant alleles.
Comment: SLC9A3: BP4, BP7, BS2

Labcorp Genetics (formerly Invitae), Labcorp
Classification: Benign. Last evaluated: 2026-02-01. Review status: criteria provided, single submitter. Criteria: Invitae Variant Classification Sherloc (09022015). Collection method: clinical testing. Allele origin: germline.

Genome-Nilou Lab
Classification: Benign for Congenital secretory sodium diarrhea 8. Last evaluated: 2021-07-14. Review status: criteria provided, single submitter. Criteria: ACMG Guidelines, 2015. Collection method: clinical testing. Allele origin: germline. Affected: no.

Breakthrough Genomics
Classification: Benign. Review status: criteria provided, single submitter. Criteria: ACMG Guidelines, 2015. Collection method: not provided. Allele origin: germline. Inheritance: Autosomal recessive inheritance. Affected: yes.

NM_004174.4(SLC9A3):c.1233C>T (p.Tyr411=)

Gene: SLC9A3 (solute carrier family 9 member A3). Cytogenetic location: 5p15.33.
Variant type: single nucleotide variant.
Coding change: c.1233C>T on transcript NM_004174.4 (MANE Select); coding-DNA position 1233, C replaced by T.
Protein change: p.Tyr411=; no amino-acid change (tyrosine 411 retained).
Molecular consequence: synonymous variant.
Genome position (GRCh38, 1-based): chr5:482,671, G>A on the plus strand (C>T on the coding strand, the complement: SLC9A3 is on the minus strand). VCF-style: chr5-482671-G-A. GRCh37 (hg19) VCF-style: chr5-482786-G-A.
Other names: c.1233C>T, p.Tyr411= (NM_001284351.3).
Identifiers: ClinVar variation 789282 (VCV000789282.38), dbSNP rs143144929, ClinGen allele CA3176029.